The following is an entry in ClinVar:

ClinVar aggregate classification (germline): Uncertain significance (1 of 4 stars; one submission).

Conditions:
Autosomal dominant nonsyndromic hearing loss 65. Also called: Deafness, autosomal dominant 65; TBC1D24-Related Autosomal Dominant Nonsyndromic Hearing Loss (DFNA). Identifiers: Orphanet 90635, MedGen C3892048, MONDO:0014470, OMIM 616044.
Developmental and epileptic encephalopathy, 1 (DEE1). Also called: X-linked infantile spasms; West's syndrome; Tonic spasms with clustering, arrest of psychomotor development and hypsarrhythmia on EEG; X-Linked Infantile Spasm Syndrome; OHTAHARA SYNDROME, X-LINKED; INFANTILE SPASM SYNDROME, X-LINKED 1. Identifiers: MedGen C3463992, MONDO:0010632, OMIM 308350. Disease mechanism: loss of function.

Submission:

Labcorp Genetics (formerly Invitae), Labcorp
Classification: Uncertain significance for Developmental and epileptic encephalopathy, 1; Autosomal dominant nonsyndromic hearing loss 65. Last evaluated: 2022-07-19. Review status: criteria provided, single submitter. Criteria: Invitae Variant Classification Sherloc (09022015). Collection method: clinical testing. Allele origin: germline.
Comment: In summary, the available evidence is currently insufficient to determine the role of this variant in disease. Therefore, it has been classified as a Variant of Uncertain Significance. Advanced modeling of protein sequence and biophysical properties (such as structural, functional, and spatial information, amino acid conservation, physicochemical variation, residue mobility, and thermodynamic stability) performed at Invitae indicates that this missense variant is not expected to disrupt TBC1D24 protein function. ClinVar contains an entry for this variant (Variation ID: 1492018). This variant has not been reported in the literature in individuals affected with TBC1D24-related conditions. This variant is not present in population databases (gnomAD no frequency). This sequence change replaces phenylalanine, which is neutral and non-polar, with cysteine, which is neutral and slightly polar, at codon 418 of the TBC1D24 protein (p.Phe418Cys).

NM_001199107.2(TBC1D24):c.1253T>G (p.Phe418Cys)

Gene: TBC1D24 (TBC1 domain family member 24; plus strand). Cytogenetic location: 16p13.3.
Variant type: single nucleotide variant.
Coding change: c.1253T>G on transcript NM_001199107.2 (MANE Select); coding-DNA position 1253, T replaced by G.
Protein change: p.Phe418Cys; replaces phenylalanine 418 with cysteine.
Molecular consequence: missense variant.
Genome position (GRCh38, 1-based): chr16:2,499,881, T>G. VCF-style: chr16-2499881-T-G. GRCh37 (hg19) VCF-style: chr16-2549882-T-G.
Other names: c.1235T>G, p.Phe412Cys (NM_020705.3); short protein forms F412C, F418C.
Identifiers: ClinVar variation 1492018 (VCV001492018.6), dbSNP rs776176742, ClinGen allele CA394380198.